The following is an entry in ClinVar:

NM_001458.5(FLNC):c.3518C>T (p.Ala1173Val)

Gene: FLNC (filamin C; plus strand). Cytogenetic location: 7q32.1.
Variant type: single nucleotide variant.
Coding change: c.3518C>T on transcript NM_001458.5 (MANE Select); coding-DNA position 3518, C replaced by T.
Protein change: p.Ala1173Val; replaces alanine 1173 with valine.
Molecular consequence: missense variant.
Genome position (GRCh38, 1-based): chr7:128,844,983, C>T. VCF-style: chr7-128844983-C-T. GRCh37 (hg19) VCF-style: chr7-128485037-C-T.
Other names: c.3518C>T, p.Ala1173Val (NM_001127487.2); short protein forms A1173V.
Identifiers: ClinVar variation 835278 (VCV000835278.11), dbSNP rs1229255608, ClinGen allele CA369197147.

ClinVar aggregate classification (germline): Uncertain significance. Review status: criteria provided, multiple submitters, no conflicts (2 of 4 stars). 2 submissions from 2 submitters: Uncertain significance (2). Last evaluated 2024-10-29.

Conditions:
Myofibrillar myopathy 5. Also called: FILAMINOPATHY, AUTOSOMAL DOMINANT; Filaminopathy (type). Identifiers: Orphanet 171445, MedGen C1836050, MONDO:0012289, OMIM 609524.
Distal myopathy with posterior leg and anterior hand involvement. Also called: WILLIAMS DISTAL MYOPATHY. Identifiers: Orphanet 63273, MedGen C3279722, MONDO:0013550, OMIM 614065.
Hypertrophic cardiomyopathy 26. Also called: Cardiomyopathy, familial hypertrophic, 26. Identifiers: Orphanet 75249, MedGen C4310749, MONDO:0014883, OMIM 617047.

Allele frequency attached by ClinVar (database versions not stated): TOPMed below 0.00001.

Submissions (2):

Labcorp Genetics (formerly Invitae), Labcorp
Classification: Uncertain significance for Distal myopathy with posterior leg and anterior hand involvement; Myofibrillar myopathy 5; Hypertrophic cardiomyopathy 26. Last evaluated: 2024-10-29. Review status: criteria provided, single submitter. Criteria: Invitae Variant Classification Sherloc (09022015). Collection method: clinical testing. Allele origin: germline.
Comment: This sequence change replaces alanine, which is neutral and non-polar, with valine, which is neutral and non-polar, at codon 1173 of the FLNC protein (p.Ala1173Val). This variant is not present in population databases (gnomAD no frequency). This variant has not been reported in the literature in individuals affected with FLNC-related conditions. ClinVar contains an entry for this variant (Variation ID: 835278). Invitae Evidence Modeling of protein sequence and biophysical properties (such as structural, functional, and spatial information, amino acid conservation, physicochemical variation, residue mobility, and thermodynamic stability) has been performed for this missense variant. However, the output from this modeling did not meet the statistical confidence thresholds required to predict the impact of this variant on FLNC protein function. In summary, the available evidence is currently insufficient to determine the role of this variant in disease. Therefore, it has been classified as a Variant of Uncertain Significance.

Revvity Omics, Revvity
Classification: Uncertain significance. Last evaluated: 2024-09-10. Review status: criteria provided, single submitter. Criteria: ACMG Guidelines, 2015. Collection method: clinical testing. Allele origin: germline.